The following is an entry in ClinVar:

ClinVar aggregate classification (germline): Uncertain significance. Review status: criteria provided, multiple submitters, no conflicts (2 of 4 stars). 3 submissions from 3 submitters: Uncertain significance (3). Last evaluated 2026-02-09.

Conditions:
Familial cancer of breast. Also called: Hereditary breast cancer; BREAST CANCER, FAMILIAL; hereditary breast carcinoma. Identifiers: Orphanet 227535, MedGen C0346153, MONDO:0016419, OMIM 114480. Disease mechanism: loss of function.
Hereditary cancer-predisposing syndrome. Also called: Hereditary neoplastic syndrome; Tumor predisposition; Neoplastic Syndromes, Hereditary; Hereditary Cancer Syndrome. Identifiers: Orphanet 140162, MedGen C0027672, MeSH D009386, MONDO:0015356.

Submissions (3):

Helix
Classification: Uncertain significance for Hereditary cancer-predisposing syndrome. Last evaluated: 2026-02-09. Review status: criteria provided, single submitter. Criteria: ACMG Guidelines, 2015. Collection method: clinical testing. Allele origin: germline. Inheritance: Autosomal dominant inheritance.
Comment: This variant (NM_024675.4:c.173T>C p.Leu58Ser) results in the substitution of leucine with serine at codon 58 in the PALB2 protein. It is a rare variant that is absent from the large gnomAD population database (v4.1). To our knowledge, this variant has not been reported in individuals with PALB2-related conditions in the published literature. In silico prediction from REVEL (PMID: 27666373) suggests that this variant may be benign. This variant is present in ClinVar (Accession: VCV000570960.7). In conclusion, since the available evidence is limited, the clinical significance of this variant is unclear at this time. Therefore, it is classified as a Variant of Uncertain Significance.

Ambry Genetics
Classification: Uncertain significance for Hereditary cancer-predisposing syndrome. Last evaluated: 2024-10-30. Review status: criteria provided, single submitter. Criteria: Ambry Variant Classification Scheme 2023. Collection method: clinical testing. Allele origin: germline.
Comment: The p.L58S variant (also known as c.173T>C), located in coding exon 3 of the PALB2 gene, results from a T to C substitution at nucleotide position 173. The leucine at codon 58 is replaced by serine, an amino acid with dissimilar properties. This amino acid position is conserved. In addition, this alteration is predicted to be tolerated by in silico analysis. Based on the available evidence, the clinical significance of this variant remains unclear.

Labcorp Genetics (formerly Invitae), Labcorp
Classification: Uncertain significance for Familial cancer of breast. Last evaluated: 2024-02-01. Review status: criteria provided, single submitter. Criteria: Invitae Variant Classification Sherloc (09022015). Collection method: clinical testing. Allele origin: germline.
Comment: This sequence change replaces leucine, which is neutral and non-polar, with serine, which is neutral and polar, at codon 58 of the PALB2 protein (p.Leu58Ser). This variant is not present in population databases (gnomAD no frequency). This variant has not been reported in the literature in individuals affected with PALB2-related conditions. ClinVar contains an entry for this variant (Variation ID: 570960). Algorithms developed to predict the effect of missense changes on protein structure and function output the following: SIFT: "Not Available"; PolyPhen-2: "Benign"; Align-GVGD: "Not Available". The serine amino acid residue is found in multiple mammalian species, which suggests that this missense change does not adversely affect protein function. In summary, the available evidence is currently insufficient to determine the role of this variant in disease. Therefore, it has been classified as a Variant of Uncertain Significance.

NM_024675.4(PALB2):c.173T>C (p.Leu58Ser)

Gene: PALB2 (partner and localizer of BRCA2; minus strand). Cytogenetic location: 16p12.2.
Variant type: single nucleotide variant.
Coding change: c.173T>C on transcript NM_024675.4 (MANE Select); coding-DNA position 173, T replaced by C.
Protein change: p.Leu58Ser; replaces leucine 58 with serine.
Molecular consequence: missense variant.
Genome position (GRCh38, 1-based): chr16:23,637,888, A>G on the plus strand (T>C on the coding strand, the complement: PALB2 is on the minus strand). VCF-style: chr16-23637888-A-G. GRCh37 (hg19) VCF-style: chr16-23649209-A-G.
Other names: short protein forms L58S.
Identifiers: ClinVar variation 570960 (VCV000570960.9), dbSNP rs1567223972, ClinGen allele CA395139115.
Genomic context (GRCh38, chr16:23,637,888, plus strand): 5'-TAAGTGAATGGTCTAGATTTACCTGAGTGTTTTAGCTGCGGTGAGAGATCCTGCTGAGAC[A>G]AACAATCTTGTTCTTCTACTGTTTTCTTAATAGAATGCTTAATCTTTTCAGCTCTTTGGG-3'
Protein context (NP_078951.2, residues 48-68): IKKTVEEQDC[Leu58Ser]SQQDLSPQLK